The following is an entry in ClinVar:

NM_199420.4(POLQ):c.3896C>A (p.Thr1299Lys)

Gene: POLQ (DNA polymerase theta; minus strand). Cytogenetic location: 3q13.33.
Variant type: single nucleotide variant.
Coding change: c.3896C>A on transcript NM_199420.4 (MANE Select); coding-DNA position 3896, C replaced by A.
Protein change: p.Thr1299Lys; replaces threonine 1299 with lysine.
Molecular consequence: missense variant.
Genome position (GRCh38, 1-based): chr3:121,489,035, G>T on the plus strand (C>A on the coding strand, the complement: POLQ is on the minus strand). VCF-style: chr3-121489035-G-T. GRCh37 (hg19) VCF-style: chr3-121207882-G-T.
Other names: short protein forms T1299K.
Identifiers: ClinVar variation 2624462 (VCV002624462.2), dbSNP rs201804248, ClinGen allele CA2562991.

ClinVar aggregate classification (germline): Uncertain significance (1 of 4 stars; one submission).

Allele frequency attached by ClinVar (database versions not stated): ExAC 0.00001; gnomAD 0.00001; 1000 Genomes Project 30x 0.00016; 1000 Genomes Project 0.00020.
gnomAD v4.1: 15 of 1,613,098 alleles (0.00093%); highest among the groups gnomAD compares: East Asian, 0.033%; no homozygotes.

Submission:

Ambry Genetics
Classification: Uncertain significance. Last evaluated: 2023-08-25. Review status: criteria provided, single submitter. Criteria: Ambry Variant Classification Scheme 2023. Collection method: clinical testing. Allele origin: germline.
Comment: The p.T1299K variant (also known as c.3896C>A), located in coding exon 16 of the POLQ gene, results from a C to A substitution at nucleotide position 3896. The threonine at codon 1299 is replaced by lysine, an amino acid with similar properties. This amino acid position is conserved. In addition, this alteration is predicted to be tolerated by in silico analysis. Since supporting evidence is limited at this time, the clinical significance of this alteration remains unclear.